The following is an entry in ClinVar:

NM_144997.7(FLCN):c.1133G>A (p.Ser378Asn)

Gene: FLCN (folliculin; minus strand). Cytogenetic location: 17p11.2.
Variant type: single nucleotide variant.
Coding change: c.1133G>A on transcript NM_144997.7 (MANE Select); coding-DNA position 1133, G replaced by A.
Protein change: p.Ser378Asn; replaces serine 378 with asparagine.
Molecular consequence: missense variant.
Genome position (GRCh38, 1-based): chr17:17,217,112, C>T on the plus strand (G>A on the coding strand, the complement: FLCN is on the minus strand). VCF-style: chr17-17217112-C-T. GRCh37 (hg19) VCF-style: chr17-17120426-C-T.
Other names: c.1133G>A (LRG_325t1); c.1187G>A, p.Ser396Asn (NM_001353229.2); c.1133G>A, p.Ser378Asn (NM_001353230.2, NM_001353231.2); short protein forms S378N, S396N.
Identifiers: ClinVar variation 460581 (VCV000460581.17), dbSNP rs769489773, ClinGen allele CA8416136.
Genomic context (GRCh38, chr17:17,217,112, plus strand): 5'-GGAAAAGATGTTCTCACCCGAAGTACTTCAAAAGCTGACTGGACGAGGTCCACGTCTCTG[C>T]TTTTCCAGATCACCTGGTTCCCCATGAGAACGTGCCAGGCCAGCATGCGGAAAGAAGGGG-3'
Protein context (NP_659434.2, residues 368-388): VLMGNQVIWK[Ser378Asn]RDVDLVQSAF

ClinVar aggregate classification (germline): Conflicting classifications of pathogenicity. Review status: criteria provided, conflicting classifications (1 of 4 stars). 7 submissions from 7 submitters: Uncertain significance (4); Benign (2); Likely benign (1). Last evaluated 2026-01-31.

Conditions:
Colorectal cancer. Also called: Colorectal cancer, somatic; Malignant Colorectal Neoplasm. Identifiers: MedGen C0346629, MONDO:0005575, OMIM 114500.
Nonpapillary renal cell carcinoma. Identifiers: Orphanet 422526, MedGen CN074294, MONDO:0007763, OMIM 144700.
Familial spontaneous pneumothorax (PSP). Identifiers: Orphanet 2903, MedGen C1868193, MONDO:0008259, OMIM 173600.
Birt-Hogg-Dube syndrome 1 (BHD1). Also called: FIBROFOLLICULOMAS WITH TRICHODISCOMAS AND ACROCHORDONS. Identifiers: Orphanet 122, MedGen CN375946, MONDO:0800445, OMIM 135150.
Hereditary cancer-predisposing syndrome. Also called: Hereditary neoplastic syndrome; Neoplastic Syndromes, Hereditary; Tumor predisposition; Hereditary Cancer Syndrome. Identifiers: Orphanet 140162, MedGen C0027672, MeSH D009386, MONDO:0015356.
Ovarian cancer. Also called: OVARIAN CANCER, SOMATIC. Identifiers: Orphanet 213500, MedGen C1140680, MONDO:0008170, OMIM 167000.
Birt-Hogg-Dube syndrome. Also called: Birt Hogg Dubé syndrome. Identifiers: Orphanet 122, MedGen C0346010, MONDO:0800444.

Allele frequency attached by ClinVar (database versions not stated): TOPMed 0.00001; ExAC 0.00002; gnomAD exomes 0.00002.
gnomAD v4.1: 9 of 1,614,116 alleles (0.00056%); highest among the groups gnomAD compares: Middle Eastern, 0.016%; no homozygotes.

Submissions (7):

Labcorp Genetics (formerly Invitae), Labcorp
Classification: Uncertain significance for Birt-Hogg-Dube syndrome. Last evaluated: 2026-01-31. Review status: criteria provided, single submitter. Criteria: Invitae Variant Classification Sherloc (09022015). Collection method: clinical testing. Allele origin: germline.
Comment: This sequence change replaces serine, which is neutral and polar, with asparagine, which is neutral and polar, at codon 378 of the FLCN protein (p.Ser378Asn). This variant is present in population databases (rs769489773, gnomAD 0.02%). This variant has not been reported in the literature in individuals affected with FLCN-related conditions. ClinVar contains an entry for this variant (Variation ID: 460581). Invitae Evidence Modeling of protein sequence and biophysical properties (such as structural, functional, and spatial information, amino acid conservation, physicochemical variation, residue mobility, and thermodynamic stability) indicates that this missense variant is not expected to disrupt FLCN protein function with a negative predictive value of 80%. In summary, the available evidence is currently insufficient to determine the role of this variant in disease. Therefore, it has been classified as a Variant of Uncertain Significance.

Myriad Genetics, Inc.
Classification: Likely benign for Birt-Hogg-Dube syndrome 1. Last evaluated: 2024-08-07. Review status: criteria provided, single submitter. Criteria: Myriad Autosomal Dominant, Autosomal Recessive and X-Linked Classification Criteria (2023). Collection method: clinical testing. Allele origin: unknown.
Comment: This variant is considered likely benign. This variant has been observed at a population frequency that is significantly greater than expected given the associated disease prevalence and penetrance.

Fulgent Genetics
Classification: Uncertain significance for Colorectal cancer; Birt-Hogg-Dube syndrome 1; Nonpapillary renal cell carcinoma; Familial spontaneous pneumothorax. Last evaluated: 2024-06-03. Review status: criteria provided, single submitter. Criteria: ACMG Guidelines, 2015. Collection method: clinical testing. Allele origin: germline.

Ambry Genetics
Classification: Benign for Hereditary cancer-predisposing syndrome. Last evaluated: 2023-10-03. Review status: criteria provided, single submitter. Criteria: Ambry Variant Classification Scheme 2023. Collection method: clinical testing. Allele origin: germline.

Baylor Genetics
Classification: Uncertain significance for Birt-Hogg-Dube syndrome 1. Last evaluated: 2023-08-31. Review status: criteria provided, single submitter. Criteria: ACMG Guidelines, 2015. Collection method: clinical testing. Allele origin: unknown.

GeneDx
Classification: Uncertain significance. Last evaluated: 2023-04-07. Review status: criteria provided, single submitter. Criteria: GeneDx Variant Classification Process June 2021. Collection method: clinical testing. Allele origin: germline. Affected: yes.
Comment: Not observed at significant frequency in large population cohorts (gnomAD); In silico analysis supports that this missense variant does not alter protein structure/function; Has not been previously published as pathogenic or benign to our knowledge; This variant is associated with the following publications: (PMID: 17028174)

Laboratory of Molecular Epidemiology of Birth Defects, West China Second University Hospital, Sichuan University
Classification: Benign for Ovarian cancer. Last evaluated: 2022-01-01. Review status: criteria provided, single submitter. Criteria: ACMG Guidelines, 2015. Collection method: clinical testing. Allele origin: germline. Affected: yes.